The following is an entry in ClinVar:

ClinVar aggregate classification (germline): Benign (1 of 4 stars; one submission).

Submission:

GeneDx
Classification: Benign. Last evaluated: 2018-06-14. Review status: criteria provided, single submitter. Criteria: GeneDx Variant Classification (06012015). Collection method: clinical testing. Allele origin: germline. Affected: yes.
Comment: This variant is considered likely benign or benign based on one or more of the following criteria: it is a conservative change, it occurs at a poorly conserved position in the protein, it is predicted to be benign by multiple in silico algorithms, and/or has population frequency not consistent with disease.

NM_000051.4(ATM):c.8010+252del

Genes: ATM (ATM serine/threonine kinase; plus strand), C11orf65 (chromosome 11 open reading frame 65; minus strand). Cytogenetic location: 11q22.3.
Variant type: Deletion.
Coding change: c.8010+252del on transcript NM_000051.4 (MANE Select); 252 bases into the intron after coding-DNA position 8010, one base deleted (T; older notation c.8010+252delT).
Molecular consequence: intron variant.
Genome position (GRCh38, 1-based): chr11:108,334,220, T deleted; the last of 2 consecutive T bases (chr11:108,334,219-108,334,220); deleting either gives the same sequence. VCF-style (leftmost placement, unchanged base first): chr11-108334218-GT-G. GRCh37 (hg19) VCF-style: chr11-108204945-GT-G.
Other names: c.8010+252del (NM_001351834.2); c.641-25148del (NM_001330368.2); c.*38+1001del (NM_001351110.2).
Identifiers: ClinVar variation 679734 (VCV000679734.3), dbSNP rs4988129, ClinGen allele CA228419937.
Genomic context (GRCh38, chr11:108,334,218, plus strand): 5'-TTTCTTTTCCATTGCCTTCTGTTCTACACCTCCCATCTTTCTTATGAAGGTCTATAGACT[GT>G]TACTTTCATTGGCCAGAAGGAGAGTTTCCGTGTGCTTATGCCAAGATTAATTTTTGACTT-3'